The following is an entry in ClinVar:

NM_017946.4(FKBP14):c.354A>T (p.Lys118Asn)

Genes: FKBP14 (FKBP prolyl isomerase 14; minus strand), FKBP14-AS1 (FKBP14 antisense RNA 1; plus strand). Cytogenetic location: 7p14.3.
Variant type: single nucleotide variant.
Coding change: c.354A>T on transcript NM_017946.4 (MANE Select); coding-DNA position 354, A replaced by T.
Protein change: p.Lys118Asn; replaces lysine 118 with asparagine.
Molecular consequence: missense variant. On other transcripts: non-coding transcript variant (2).
Genome position (GRCh38, 1-based): chr7:30,019,119, T>A on the plus strand (A>T on the coding strand, the complement: FKBP14 is on the minus strand). VCF-style: chr7-30019119-T-A. GRCh37 (hg19) VCF-style: chr7-30058735-T-A.
Other names: short protein forms K118N.
Identifiers: ClinVar variation 3850476 (VCV003850476.1).

ClinVar aggregate classification (germline): Uncertain significance (1 of 4 stars; one submission).

Conditions:
Cardiovascular phenotype. Identifiers: MedGen CN230736.

Submission:

Ambry Genetics
Classification: Uncertain significance for Cardiovascular phenotype. Last evaluated: 2025-03-03. Review status: criteria provided, single submitter. Criteria: Ambry Variant Classification Scheme 2023. Collection method: clinical testing. Allele origin: germline.
Comment: The p.K118N variant (also known as c.354A>T), located in coding exon 3 of the FKBP14 gene, results from an A to T substitution at nucleotide position 354. The lysine at codon 118 is replaced by asparagine, an amino acid with similar properties. This amino acid position is conserved. In addition, this alteration is predicted to be tolerated by in silico analysis. Based on the available evidence, the clinical significance of this variant remains unclear.